The following is an entry in ClinVar:

NM_001330078.2(NRXN1):c.407A>G (p.Lys136Arg)

Gene: NRXN1 (neurexin 1; minus strand). Cytogenetic location: 2p16.3.
Variant type: single nucleotide variant.
Coding change: c.407A>G on transcript NM_001330078.2 (MANE Select); coding-DNA position 407, A replaced by G.
Protein change: p.Lys136Arg; replaces lysine 136 with arginine.
Molecular consequence: missense variant.
Genome position (GRCh38, 1-based): chr2:51,027,867, T>C on the plus strand (A>G on the coding strand, the complement: NRXN1 is on the minus strand). VCF-style: chr2-51027867-T-C. GRCh37 (hg19) VCF-style: chr2-51255005-T-C.
Other names: p.K136R:AAG>AGG; c.407A>G, p.Lys136Arg (NM_001135659.3, NM_001330077.2, NM_001330079.2 and 15 more transcripts); short protein forms K136R.
Identifiers: ClinVar variation 206277 (VCV000206277.11), dbSNP rs202118977, ClinGen allele CA316200.

ClinVar aggregate classification (germline): Uncertain significance. Review status: criteria provided, multiple submitters, no conflicts (2 of 4 stars). 2 submissions from 2 submitters: Uncertain significance (2). Last evaluated 2023-06-30.

Conditions:
Pitt-Hopkins-like syndrome 2 (PTHSL2). Identifiers: Orphanet 221150, Orphanet 600663, MedGen C3280479, MONDO:0013690, OMIM 614325.

Allele frequency attached by ClinVar (database versions not stated): gnomAD 0.00001; TOPMed 0.00001; gnomAD exomes below 0.00001.
gnomAD v4.1: 7 of 1,612,778 alleles (0.00043%); highest among the groups gnomAD compares: Non-Finnish European, 0.00059%; no homozygotes.

Submissions (2):

Labcorp Genetics (formerly Invitae), Labcorp
Classification: Uncertain significance for Pitt-Hopkins-like syndrome 2. Last evaluated: 2023-06-30. Review status: criteria provided, single submitter. Criteria: Invitae Variant Classification Sherloc (09022015). Collection method: clinical testing. Allele origin: germline.
Comment: In summary, the available evidence is currently insufficient to determine the role of this variant in disease. Therefore, it has been classified as a Variant of Uncertain Significance. Algorithms developed to predict the effect of sequence changes on RNA splicing suggest that this variant may create or strengthen a splice site. Algorithms developed to predict the effect of missense changes on protein structure and function output the following: SIFT: "Not Available"; PolyPhen-2: "Benign"; Align-GVGD: "Not Available". The arginine amino acid residue is found in multiple mammalian species, which suggests that this missense change does not adversely affect protein function. ClinVar contains an entry for this variant (Variation ID: 206277). This variant has not been reported in the literature in individuals affected with NRXN1-related conditions. This variant is present in population databases (rs202118977, gnomAD 0.0009%). This sequence change replaces lysine, which is basic and polar, with arginine, which is basic and polar, at codon 136 of the NRXN1 protein (p.Lys136Arg).

GeneDx
Classification: Uncertain significance. Last evaluated: 2018-07-24. Review status: criteria provided, single submitter. Criteria: GeneDx Variant Classification (06012015). Collection method: clinical testing. Allele origin: germline. Affected: yes.
Comment: The c.407 A>G variant has not been published as a pathogenic variant, nor has it been reported as a benign variant to our knowledge. The c.407 A>G variant was not observed in approximately 6,400 individuals of European and African American ancestry in the NHLBI Exome Sequencing Project, indicating it is not a common benign variant in these populations. In-silico splice prediction models predict c.407 A>G may create a cryptic donor site. However, in the absence of RNA/functional studies, the actual effect of this sequence change in this individual is unknown. If c.407 A>G does not alter splicing, it will result in the K136R missense change. This substitution occurs at an amino acid position that is conserved in mammals; however, Arginine is observed at this position in evolution. The K136R variant is a conservative amino acid substitution, which is not likely to impact secondary protein structure as these residues share similar properties. In silico analysis predicts this variant likely does not alter the protein structure/function. Therefore, based on the currently available information, it is unclear whether this variant is a pathogenic variant or a rare benign variant.